The following is an entry in ClinVar:

NM_000089.4(COL1A2):c.3226C>T (p.Pro1076Ser)

Gene: COL1A2 (collagen type I alpha 2 chain; plus strand). Cytogenetic location: 7q21.3.
Variant type: single nucleotide variant.
Coding change: c.3226C>T on transcript NM_000089.4 (MANE Select); coding-DNA position 3226, C replaced by T.
Protein change: p.Pro1076Ser; replaces proline 1076 with serine.
Molecular consequence: missense variant.
Genome position (GRCh38, 1-based): chr7:94,427,254, C>T. VCF-style: chr7-94427254-C-T. GRCh37 (hg19) VCF-style: chr7-94056566-C-T.
Other names: short protein forms P1076S.
Identifiers: ClinVar variation 973298 (VCV000973298.14), dbSNP rs763974489, ClinGen allele CA162940794.

ClinVar aggregate classification (germline): Uncertain significance. Review status: criteria provided, multiple submitters, no conflicts (2 of 4 stars). 4 submissions from 4 submitters: Uncertain significance (4). Last evaluated 2026-08-01.

Conditions:
Ehlers-Danlos syndrome, arthrochalasia type. Also called: Ehlers-Danlos syndrome, arthrochalasis type; Ehlers-Danlos syndrome, arthrochalasia type, 1; ARTHROCHALASIS MULTIPLEX CONGENITA; EDS VII, MUTANT PROCOLLAGEN TYPE; EDS VIIA. Identifiers: Orphanet 1899, Orphanet 99875, Orphanet 99876, MedGen C4551623, MONDO:0007525, OMIM 130060.
Ehlers-Danlos syndrome, classic type, 1 (EDSCL1). Also called: Ehlers-Danlos syndrome, type 1; EHLERS-DANLOS SYNDROME, GRAVIS TYPE; EHLERS-DANLOS SYNDROME, SEVERE CLASSIC TYPE; Ehlers-Danlos Syndrome, Classic Type, COL5A1-Related; EDS I. Identifiers: MedGen C0268335, MONDO:0019567, OMIM 130000.
Osteogenesis imperfecta type I (OI1). Also called: Lobstein's Disease; OSTEOGENESIS IMPERFECTA TARDA; OSTEOGENESIS IMPERFECTA WITH BLUE SCLERAE; Osteogenesis imperfecta type 1; Classic Non-deforming Osteogenesis Imperfecta with Blue Sclerae; OI, TYPE I. Identifiers: Orphanet 216796, Orphanet 666, MedGen C0023931, MONDO:0008146, OMIM 166200. Disease mechanism: loss of function.

Allele frequency attached by ClinVar (database versions not stated): TOPMed 0.00004.
gnomAD v4.1: 10 of 1,613,712 alleles (0.00062%); highest among the groups gnomAD compares: Admixed American, 0.013%; no homozygotes.

Submissions (4):

CeGaT Center for Human Genetics Tuebingen
Classification: Uncertain significance. Last evaluated: 2026-08-01. Review status: criteria provided, single submitter. Criteria: CeGaT Center For Human Genetics Tuebingen Variant Classification Criteria Version 2. Collection method: clinical testing. Allele origin: germline. Affected: yes. Observed: 1 variant allele.
Comment: COL1A2: PM2

Labcorp Genetics (formerly Invitae), Labcorp
Classification: Uncertain significance for Osteogenesis imperfecta type I; Ehlers-Danlos syndrome, classic type, 1. Last evaluated: 2025-08-11. Review status: criteria provided, single submitter. Criteria: Invitae Variant Classification Sherloc (09022015). Collection method: clinical testing. Allele origin: germline.
Comment: This sequence change replaces proline, which is neutral and non-polar, with serine, which is neutral and polar, at codon 1076 of the COL1A2 protein (p.Pro1076Ser). This variant is present in population databases (no rsID available, gnomAD 0.006%). This variant has not been reported in the literature in individuals affected with COL1A2-related conditions. ClinVar contains an entry for this variant (Variation ID: 973298). Invitae Evidence Modeling of protein sequence and biophysical properties (such as structural, functional, and spatial information, amino acid conservation, physicochemical variation, residue mobility, and thermodynamic stability) indicates that this missense variant is not expected to disrupt COL1A2 protein function with a negative predictive value of 95%. In summary, the available evidence is currently insufficient to determine the role of this variant in disease. Therefore, it has been classified as a Variant of Uncertain Significance.

GeneDx
Classification: Uncertain significance. Last evaluated: 2023-09-29. Review status: criteria provided, single submitter. Criteria: GeneDx Variant Classification Process June 2021. Collection method: clinical testing. Allele origin: germline. Affected: yes.
Comment: Observed in an individual in published literature (Pengelly et al., 2015) who had additional genetic variants likely to explain the phenotype.; Not observed at significant frequency in large population cohorts (gnomAD); Occurs in the triple helical domain at the X position in the canonical Gly-X-Y repeat; although this variant may have an effect on normal protein folding and function, missense substitution at the X position is not a common mechanism of disease (HGMD); In silico analysis supports that this missense variant has a deleterious effect on protein structure/function; This variant is associated with the following publications: (PMID: 25441681)

Illumina Laboratory Services, Illumina
Classification: Uncertain significance for Ehlers-Danlos syndrome, procollagen proteinase deficient. Last evaluated: 2020-03-26. Review status: criteria provided, single submitter. Criteria: ICSLVariantClassificationCriteria RUGD 01 April 2020. Collection method: clinical testing. Allele origin: unknown.
Comment: The COL1A2 c.3226C>T (p.Pro1076Ser) variant is a missense variant. A literature search was performed for the gene, cDNA change, and amino acid change. The variant has not been reported in association with Ehlers-Danlos syndrome, though it has been reported in a heterozygous state in one individual with incontinentia pigmenti and cleft palate who also carried variants in several other genes, at least one of which was thought to be causative for the phenotype (Pengelly et al. 2015). This variant is reported at a frequency of 0.000058 in the Latino population from the Genome Aggregation Database, though this is based on two alleles in a region of good sequencing coverage so the variant is presumed to be rare. Based on the limited evidence, the p.Pro1076Ser variant is classified as a variant of unknown significance for the arthrochalasia type of Ehlers-Danlos syndrome.

Literature cited by the submitters: PubMed 25441681 (cited by Illumina Laboratory Services, Illumina).